The following is an entry in ClinVar:

NM_000052.7(ATP7A):c.2293C>T (p.Leu765Phe)

Gene: ATP7A (ATPase copper transporting alpha; plus strand). Cytogenetic location: Xq21.1.
Variant type: single nucleotide variant.
Coding change: c.2293C>T on transcript NM_000052.7 (MANE Select); coding-DNA position 2293, C replaced by T.
Protein change: p.Leu765Phe; replaces leucine 765 with phenylalanine.
Molecular consequence: missense variant. On other transcripts: intron variant (1).
Genome position (GRCh38, 1-based): chrX:78,012,999, C>T. VCF-style: chrX-78012999-C-T. GRCh37 (hg19) VCF-style: chrX-77268496-C-T.
Other names: c.2172+1325C>T (NM_001282224.2); short protein forms L765F.
Identifiers: ClinVar variation 2307610 (VCV002307610.3), dbSNP rs782148626, ClinGen allele CA413599100.
Genomic context (GRCh38, chrX:78,012,999, plus strand): 5'-AATATGGACGTACTGATTGTGCTGGCAACCACCATTGCATTTGCCTACTCTTTGATTATT[C>T]TTCTAGTTGCAATGTATGAGAGAGCCAAAGTGAACCCTATTACTTTCTTTGACACACCCC-3'
Protein context (NP_000043.4, residues 755-775): TIAFAYSLII[Leu765Phe]LVAMYERAKV

ClinVar aggregate classification (germline): Uncertain significance. Review status: criteria provided, multiple submitters, no conflicts (2 of 4 stars). 2 submissions from 2 submitters: Uncertain significance (2). Last evaluated 2023-05-20.

Conditions:
Menkes kinky-hair syndrome (MNK). Also called: Classic Menkes Disease; Copper transport disease; Menkes Disease. Identifiers: Orphanet 565, MedGen C0022716, MONDO:0010651, OMIM 309400.
Inborn genetic diseases. Identifiers: MedGen C0950123, MeSH D030342.

gnomAD v4.1: 3 of 1,210,179 alleles (0.00025%); highest among the groups gnomAD compares: South Asian, 0.0035%; no homozygotes.

Submissions (2):

Neuberg Centre For Genomic Medicine, NCGM
Classification: Uncertain significance for Menkes kinky-hair syndrome. Last evaluated: 2023-05-20. Review status: criteria provided, single submitter. Criteria: ACMG Guidelines, 2015. Collection method: clinical testing. Allele origin: germline. Inheritance: X-linked recessive inheritance. Affected: yes.
Comment: The observed missense c.2293C>T(p.Leu765Phe) variant in ATP7A gene has not been reported previously as a pathogenic variant nor as a benign variant, to our knowledge. This variant is absent in gnomAD Exomes. This variant has been reported to the ClinVar database as Uncertain Significance. However, no details are available for independent assessment. The amino acid Leu at position 765 is changed to a Phe changing protein sequence and it might alter its composition and physico-chemical properties. The amino acid change p.Leu765Phe in ATP7A is predicted as conserved by GERP++ and PhyloP across 100 vertebrates. Multiple lines of computational evidence (Polyphen - Possibly Damaging, SIFT - Damaging, and MutationTaster - Disease causing) predict a damaging effect on protein structure and function for this variant. For these reasons, this variant has been classified as Uncertain Significance.

Ambry Genetics
Classification: Uncertain significance for Inborn genetic diseases. Last evaluated: 2022-08-16. Review status: criteria provided, single submitter. Criteria: Ambry Variant Classification Scheme 2023. Collection method: clinical testing. Allele origin: germline.